The following is an entry in ClinVar:

ClinVar aggregate classification (germline): Uncertain significance. Review status: criteria provided, multiple submitters, no conflicts (2 of 4 stars). 2 submissions from 2 submitters: Uncertain significance (2). Last evaluated 2024-07-24.

Conditions:
Juvenile polyposis syndrome (JPS). Identifiers: Orphanet 2929, MedGen C0345893, MONDO:0017380, OMIM 174900.
Hereditary cancer-predisposing syndrome. Also called: Neoplastic Syndromes, Hereditary; Hereditary neoplastic syndrome; Tumor predisposition; Hereditary Cancer Syndrome. Identifiers: Orphanet 140162, MedGen C0027672, MeSH D009386, MONDO:0015356.

Submissions (2):

Ambry Genetics
Classification: Uncertain significance for Hereditary cancer-predisposing syndrome. Last evaluated: 2024-07-24. Review status: criteria provided, single submitter. Criteria: Ambry Variant Classification Scheme 2023. Collection method: clinical testing. Allele origin: germline.
Comment: The p.A198T variant (also known as c.592G>A), located in coding exon 6 of the BMPR1A gene, results from a G to A substitution at nucleotide position 592. The alanine at codon 198 is replaced by threonine, an amino acid with similar properties. This amino acid position is well conserved in available vertebrate species. In addition, this alteration is predicted to be tolerated by in silico analysis. Based on the available evidence, the clinical significance of this variant remains unclear.

Labcorp Genetics (formerly Invitae), Labcorp
Classification: Uncertain significance for Juvenile polyposis syndrome. Last evaluated: 2023-11-27. Review status: criteria provided, single submitter. Criteria: Invitae Variant Classification Sherloc (09022015). Collection method: clinical testing. Allele origin: germline.
Comment: This sequence change replaces alanine, which is neutral and non-polar, with threonine, which is neutral and polar, at codon 198 of the BMPR1A protein (p.Ala198Thr). This variant is not present in population databases (gnomAD no frequency). This variant has not been reported in the literature in individuals affected with BMPR1A-related conditions. ClinVar contains an entry for this variant (Variation ID: 845596). Advanced modeling of protein sequence and biophysical properties (such as structural, functional, and spatial information, amino acid conservation, physicochemical variation, residue mobility, and thermodynamic stability) performed at Invitae indicates that this missense variant is not expected to disrupt BMPR1A protein function with a negative predictive value of 80%. In summary, the available evidence is currently insufficient to determine the role of this variant in disease. Therefore, it has been classified as a Variant of Uncertain Significance.

NM_004329.3(BMPR1A):c.592G>A (p.Ala198Thr)

Gene: BMPR1A (bone morphogenetic protein receptor type 1A; plus strand). Cytogenetic location: 10q23.2.
Variant type: single nucleotide variant.
Coding change: c.592G>A on transcript NM_004329.3 (MANE Select); coding-DNA position 592, G replaced by A.
Protein change: p.Ala198Thr; replaces alanine 198 with threonine.
Molecular consequence: missense variant.
Genome position (GRCh38, 1-based): chr10:86,912,301, G>A. VCF-style: chr10-86912301-G-A. GRCh37 (hg19) VCF-style: chr10-88672058-G-A.
Other names: short protein forms A198T.
Identifiers: ClinVar variation 845596 (VCV000845596.11), dbSNP rs1843502994, ClinGen allele CA377454638.